The following is an entry in ClinVar:

ClinVar aggregate classification (germline): Likely pathogenic. Review status: criteria provided, multiple submitters, no conflicts (2 of 4 stars). 4 submissions from 4 submitters: Likely pathogenic (4). Last evaluated 2025-02-20.

Conditions:
Neurofibromatosis, type 1 (NF1). Also called: Peripheral type neurofibromatosis; VON RECKLINGHAUSEN DISEASE; Neurofibromatosis, type I; NEUROFIBROMATOSIS, TYPE I, SOMATIC. Identifiers: Orphanet 636, MedGen C0027831, MONDO:0018975, OMIM 162200. Disease mechanism: loss of function.

Submissions (4):

GeneDx
Classification: Likely pathogenic. Last evaluated: 2025-02-20. Review status: criteria provided, single submitter. Criteria: GeneDx Variant Classification Process June 2021. Collection method: clinical testing. Allele origin: germline. Affected: yes.
Comment: Not observed at significant frequency in large population cohorts (gnomAD); Deletions involving coding exons of this gene are a known mechanism of disease (HGMD; other references); RNA studies demonstrate a damaging effect; this variant disrupts an exonic splice enhancer element and leads to exon skipping (PMID: 27074763); This variant is associated with the following publications: (PMID: 27074763, Chen2021[CaseReport])

Labcorp Genetics (formerly Invitae), Labcorp
Classification: Likely pathogenic for Neurofibromatosis, type 1. Last evaluated: 2025-02-17. Review status: criteria provided, single submitter. Criteria: Invitae Variant Classification Sherloc (09022015). Collection method: clinical testing. Allele origin: germline.
Comment: This sequence change affects codon 2286 of the NF1 mRNA. It is a 'silent' change, meaning that it does not change the encoded amino acid sequence of the NF1 protein. This variant also falls at the last nucleotide of exon 45, which is part of the consensus splice site for this exon. This variant is not present in population databases (gnomAD no frequency). This variant has been observed in individual(s) with neurofibromatosis type 1 (internal data). It has also been observed to segregate with disease in related individuals. This variant is also known as c.6921G>A. ClinVar contains an entry for this variant (Variation ID: 572995). Variants that disrupt the consensus splice site are a relatively common cause of aberrant splicing (PMID: 17576681, 9536098). Algorithms developed to predict the effect of sequence changes on RNA splicing suggest that this variant may disrupt the consensus splice site. In summary, the currently available evidence indicates that the variant is pathogenic, but additional data are needed to prove that conclusively. Therefore, this variant has been classified as Likely Pathogenic.

Greenwood Genetic Center Diagnostic Laboratories, Greenwood Genetic Center
Classification: Likely pathogenic for Neurofibromatosis, type 1. Last evaluated: 2024-08-28. Review status: criteria provided, single submitter. Criteria: ACMG Guidelines, 2015. Collection method: clinical testing. Allele origin: germline. Affected: yes.
Comment: PS4_Supporting, PM2, PM6, PP3

Institute for Genomic Medicine (IGM) Clinical Laboratory, Nationwide Children's Hospital
Classification: Likely pathogenic for Neurofibromatosis, type 1. Last evaluated: 2022-07-26. Review status: criteria provided, single submitter. Criteria: ACMG Guidelines, 2015. Collection method: clinical testing. Allele origin: germline.
Comment: Well-established functional studies have demonstrated this variant to have a damaging effect on protein function or splicing (ACMG/AMP: PS3_Moderate; PMID:27074763). This variant is absent from or present at an exceedingly low frequency in gnomAD, a large-scale control population database (ACMG/AMP: PM2). This variant is predicted to result in an in-frame insertion or deletion in a non-repetitive region (ACMG/AMP: PM4).

Literature cited by the submitters: PubMed 17576681 (cited by Labcorp Genetics (formerly Invitae), Labcorp); PubMed 9536098 (cited by Labcorp Genetics (formerly Invitae), Labcorp); PubMed 27074763 (cited by Institute for Genomic Medicine (IGM) Clinical Laboratory, Nationwide Children's Hospital).

NM_001042492.3(NF1):c.6921G>A (p.Lys2307=)

Gene: NF1 (neurofibromin 1; plus strand). Cytogenetic location: 17q11.2.
Variant type: single nucleotide variant.
Coding change: c.6921G>A on transcript NM_001042492.3 (MANE Select); coding-DNA position 6921, G replaced by A.
Protein change: p.Lys2307=; no amino-acid change (lysine 2307 retained).
Molecular consequence: synonymous variant.
Genome position (GRCh38, 1-based): chr17:31,338,805, G>A. VCF-style: chr17-31338805-G-A. GRCh37 (hg19) VCF-style: chr17-29665823-G-A.
Other names: c.6858G>A, p.Lys2286= (NM_000267.4).
Identifiers: ClinVar variation 572995 (VCV000572995.10), dbSNP rs1057523533, ClinGen allele CA499234385.